The following is an entry in ClinVar:

ClinVar aggregate classification (germline): Uncertain significance (1 of 4 stars; one submission).

Conditions:
Desmin-related myofibrillar myopathy (MFM1). Also called: Myofibrillar myopathy 1; Desminopathy; Desmin related myopathy (former name); Desmin storage myopathy (former name); MYOFIBRILLAR MYOPATHY WITH ARRHYTHMOGENIC RIGHT VENTRICULAR CARDIOMYOPATHY; DESMIN-RELATED MYOPATHY WITH ARRHYTHMOGENIC RIGHT VENTRICULAR CARDIOMYOPATHY. Identifiers: Orphanet 363543, Orphanet 98909, MedGen C1832370, MONDO:0011076, OMIM 601419.

Submission:

Labcorp Genetics (formerly Invitae), Labcorp
Classification: Uncertain significance for Desmin-related myofibrillar myopathy. Last evaluated: 2025-11-13. Review status: criteria provided, single submitter. Criteria: Invitae Variant Classification Sherloc (09022015). Collection method: clinical testing. Allele origin: germline.
Comment: This sequence change replaces arginine, which is basic and polar, with leucine, which is neutral and non-polar, at codon 37 of the DES protein (p.Arg37Leu). This variant is not present in population databases (gnomAD no frequency). This variant has not been reported in the literature in individuals affected with DES-related conditions. ClinVar contains an entry for this variant (Variation ID: 966573). Invitae Evidence Modeling of protein sequence and biophysical properties (such as structural, functional, and spatial information, amino acid conservation, physicochemical variation, residue mobility, and thermodynamic stability) has been performed for this missense variant. However, the output from this modeling did not meet the statistical confidence thresholds required to predict the impact of this variant on DES protein function. In summary, the available evidence is currently insufficient to determine the role of this variant in disease. Therefore, it has been classified as a Variant of Uncertain Significance.

NM_001927.4(DES):c.110G>T (p.Arg37Leu)

Gene: DES (desmin; plus strand). Cytogenetic location: 2q35.
Variant type: single nucleotide variant.
Coding change: c.110G>T on transcript NM_001927.4 (MANE Select); coding-DNA position 110, G replaced by T.
Protein change: p.Arg37Leu; replaces arginine 37 with leucine.
Molecular consequence: missense variant.
Genome position (GRCh38, 1-based): chr2:219,418,572, G>T. VCF-style: chr2-219418572-G-T. GRCh37 (hg19) VCF-style: chr2-220283294-G-T.
Other names: c.110G>T, p.Arg37Leu (NM_001382708.1, NM_001382709.1, NM_001382710.1 and 3 more transcripts); short protein forms R37L.
Identifiers: ClinVar variation 966573 (VCV000966573.2), dbSNP rs1954363342, ClinGen allele CA350682944.